The following is an entry in ClinVar:

ClinVar aggregate classification (germline): Uncertain significance (1 of 4 stars; one submission).

gnomAD v4.1: 1 of 1,592,768 alleles (0.000063%); highest among the groups gnomAD compares: Non-Finnish European, 0.000085%; no homozygotes.

Submission:

GeneDx
Classification: Uncertain significance. Last evaluated: 2024-06-13. Review status: criteria provided, single submitter. Criteria: GeneDx Variant Classification Process June 2021. Collection method: clinical testing. Allele origin: germline. Affected: yes.
Comment: Not observed at significant frequency in large population cohorts (gnomAD); In silico analysis indicates that this missense variant does not alter protein structure/function; Has not been previously published as pathogenic or benign to our knowledge

NM_001673.5(ASNS):c.1450A>G (p.Ile484Val)

Genes: ASNS (asparagine synthetase (glutamine-hydrolyzing); minus strand), CZ1P-ASNS (CZ1P-ASNS readthrough; minus strand). Cytogenetic location: 7q21.3.
Variant type: single nucleotide variant.
Coding change: c.1450A>G on transcript NM_001673.5 (MANE Select); coding-DNA position 1450, A replaced by G.
Protein change: p.Ile484Val; replaces isoleucine 484 with valine.
Molecular consequence: missense variant. On other transcripts: non-coding transcript variant (1).
Genome position (GRCh38, 1-based): chr7:97,853,086, T>C on the plus strand (A>G on the coding strand, the complement: ASNS is on the minus strand). VCF-style: chr7-97853086-T-C. GRCh37 (hg19) VCF-style: chr7-97482398-T-C.
Other names: c.1387A>G, p.Ile463Val (NM_001178075.2); c.1201A>G, p.Ile401Val (NM_001178076.2, NM_001178077.1); c.1450A>G, p.Ile484Val (NM_001352496.2, NM_133436.3, NM_183356.4); short protein forms I401V, I463V, I484V.
Identifiers: ClinVar variation 3390771 (VCV003390771.1).
Genomic context (GRCh38, chr7:97,853,086, plus strand): 5'-CTTATTCCTGAAAATGTTTTTAAAGACATTATACCTGATGTTCAACGTATTCCTGTAAAA[T>C]CTTAAACCAGGAATTCTTAACTGAAGTTATTCCATCACTGAAGGCTTCTTTTGGTCGCCA-3'
Protein context (NP_001664.3, residues 474-494): ITSVKNSWFK[Ile484Val]LQEYVEHQVD